The following is an entry in ClinVar:

NM_003221.4(TFAP2B):c.865G>C (p.Glu289Gln)

Gene: TFAP2B (transcription factor AP-2 beta; plus strand). Cytogenetic location: 6p12.3.
Variant type: single nucleotide variant.
Coding change: c.865G>C on transcript NM_003221.4 (MANE Select); coding-DNA position 865, G replaced by C.
Protein change: p.Glu289Gln; replaces glutamic acid 289 with glutamine.
Molecular consequence: missense variant.
Genome position (GRCh38, 1-based): chr6:50,838,018, G>C. VCF-style: chr6-50838018-G-C. GRCh37 (hg19) VCF-style: chr6-50805731-G-C.
Other names: short protein forms E289Q.
Identifiers: ClinVar variation 4852355 (VCV004852355.1).

ClinVar aggregate classification (germline): Uncertain significance (1 of 4 stars; one submission).

Conditions:
Char syndrome (CHAR). Also called: PATENT DUCTUS ARTERIOSUS WITH FACIAL DYSMORPHISM AND ABNORMAL FIFTH DIGITS. Identifiers: Orphanet 46627, MedGen C1868570, MONDO:0008209, OMIM 169100.

Submission:

MVZ Medizinische Genetik Mainz
Classification: Uncertain significance for Char syndrome. Last evaluated: 2026-04-16. Review status: criteria provided, single submitter. Criteria: UK Practice Guidelines For Variant Classification V4 01 2020. Collection method: clinical testing. Allele origin: germline. Inheritance: Autosomal dominant inheritance. Affected: yes. Observed: 1 variant allele.
Comment: ACMG Criteria: PM1_SUP,PM2_SUP,PP2,PP3